The following is an entry in ClinVar:

NM_003579.4(RAD54L):c.621C>G (p.Cys207Trp)

Gene: RAD54L (RAD54 like; plus strand). Cytogenetic location: 1p34.1.
Variant type: single nucleotide variant.
Coding change: c.621C>G on transcript NM_003579.4 (MANE Select); coding-DNA position 621, C replaced by G.
Protein change: p.Cys207Trp; replaces cysteine 207 with tryptophan.
Molecular consequence: missense variant.
Genome position (GRCh38, 1-based): chr1:46,260,870, C>G. VCF-style: chr1-46260870-C-G. GRCh37 (hg19) VCF-style: chr1-46726542-C-G.
Other names: c.621C>G, p.Cys207Trp (NM_001142548.2); c.81C>G, p.Cys27Trp (NM_001370766.1); short protein forms C207W, C27W.
Identifiers: ClinVar variation 1752263 (VCV001752263.3), dbSNP rs1660095715, ClinGen allele CA340186682.

ClinVar aggregate classification (germline): Uncertain significance (1 of 4 stars; one submission).

Allele frequency attached by ClinVar (database versions not stated): gnomAD exomes below 0.00001.
gnomAD v4.1: 2 of 1,614,224 alleles (0.00012%); highest among the groups gnomAD compares: African/African-American, 0.0027%; no homozygotes.

Submission:

Ambry Genetics
Classification: Uncertain significance. Last evaluated: 2024-06-05. Review status: criteria provided, single submitter. Criteria: Ambry Variant Classification Scheme 2023. Collection method: clinical testing. Allele origin: germline.
Comment: The p.C207W variant (also known as c.621C>G), located in coding exon 7 of the RAD54L gene, results from a C to G substitution at nucleotide position 621. The cysteine at codon 207 is replaced by tryptophan, an amino acid with highly dissimilar properties. This amino acid position is conserved. In addition, the in silico prediction for this alteration is inconclusive. Since supporting evidence is limited at this time, the clinical significance of this alteration remains unclear.